The following is an entry in ClinVar:

ClinVar aggregate classification (germline): Uncertain significance (1 of 4 stars; one submission).

gnomAD v4.1: 50 of 1,614,210 alleles (0.0031%); highest among the groups gnomAD compares: East Asian, 0.11%; no homozygotes.

Submission:

Labcorp Genetics (formerly Invitae), Labcorp
Classification: Uncertain significance. Last evaluated: 2025-05-26. Review status: criteria provided, single submitter. Criteria: Invitae Variant Classification Sherloc (09022015). Collection method: clinical testing. Allele origin: germline.
Comment: This sequence change replaces threonine, which is neutral and polar, with asparagine, which is neutral and polar, at codon 251 of the PAX5 protein (p.Thr251Asn). This variant is present in population databases (rs569136928, gnomAD 0.006%). This variant has not been reported in the literature in individuals affected with PAX5-related conditions. ClinVar contains an entry for this variant (Variation ID: 3678741). Invitae Evidence Modeling of protein sequence and biophysical properties (such as structural, functional, and spatial information, amino acid conservation, physicochemical variation, residue mobility, and thermodynamic stability) indicates that this missense variant is not expected to disrupt PAX5 protein function with a negative predictive value of 80%. In summary, the available evidence is currently insufficient to determine the role of this variant in disease. Therefore, it has been classified as a Variant of Uncertain Significance.

NM_016734.3(PAX5):c.752C>A (p.Thr251Asn)

Gene: PAX5 (paired box 5; minus strand). Cytogenetic location: 9p13.2.
Variant type: single nucleotide variant.
Coding change: c.752C>A on transcript NM_016734.3 (MANE Select); coding-DNA position 752, C replaced by A.
Protein change: p.Thr251Asn; replaces threonine 251 with asparagine.
Molecular consequence: missense variant. On other transcripts: non-coding transcript variant (2).
Genome position (GRCh38, 1-based): chr9:36,966,577, G>T on the plus strand (C>A on the coding strand, the complement: PAX5 is on the minus strand). VCF-style: chr9-36966577-G-T. GRCh37 (hg19) VCF-style: chr9-36966574-G-T.
Other names: c.752C>A, p.Thr251Asn (NM_001280547.2, NM_001280548.2, NM_001280549.2 and 2 more transcripts); c.428C>A, p.Thr143Asn (NM_001280551.2, NM_001280556.2); c.623C>A, p.Thr208Asn (NM_001280553.2, NM_001280554.2); c.554C>A, p.Thr185Asn (NM_001280555.2); short protein forms T143N, T208N, T185N, T251N.
Identifiers: ClinVar variation 3678741 (VCV003678741.2).